The following is an entry in ClinVar:

NM_001164508.2(NEB):c.24589_24590insT (p.Lys8197fs)

Genes: NEB (nebulin; minus strand), RIF1 (replication timing regulatory factor 1; plus strand). Cytogenetic location: 2q23.3.
Variant type: Insertion.
Coding change: c.24589_24590insT on transcript NM_001164508.2 (MANE Select); coding-DNA positions 24589 to 24590, T inserted.
Protein change: p.Lys8197fs; shifts the reading frame from lysine 8197.
Molecular consequence: frameshift variant.
Genome position: GRCh38 VCF-style: chr2-151493857-T-TA. GRCh37 (hg19) VCF-style: chr2-152350371-T-TA.
Other names: c.24589_24590insT, p.Lys8197fs (NM_001164507.2); c.24694_24695insT, p.Lys8232fs (NM_001271208.2); c.19021_19022insT, p.Lys6341fs (NM_004543.5); short protein forms K6341fs, K8197fs, K8232fs.
Identifiers: ClinVar variation 5015007 (VCV005015007.1).

ClinVar aggregate classification (germline): Pathogenic (1 of 4 stars; one submission).

Conditions:
Nemaline myopathy 2 (NEM2). Also called: Nemaline myopathy 2, autosomal recessive. Identifiers: MedGen C1850569, MONDO:0009725, OMIM 256030.

Submission:

Myriad Genetics, Inc.
Classification: Pathogenic for Nemaline myopathy 2. Last evaluated: 2025-09-21. Review status: criteria provided, single submitter. Criteria: Myriad Autosomal Dominant, Autosomal Recessive and X-Linked Classification Criteria (2023). Collection method: clinical testing. Allele origin: unknown.
Comment: NM_001271208.1(NEB):c.24694_24695insT(K8232Ifs*15) is expected to be pathogenic in the context of NEB-related nemaline myopathy. This variant is predicted to lead to an abnormal or absent protein product due to the creation of a premature termination codon in NEB, a gene where loss-of-function variants are known to be pathogenic. Please note: this variant was assessed in the context of healthy population screening.